The following is an entry in ClinVar:

ClinVar aggregate classification (germline): Conflicting classifications of pathogenicity. Review status: criteria provided, conflicting classifications (1 of 4 stars). 13 submissions from 13 submitters: Uncertain significance (1); Benign (2); Likely benign (7). 3 of the submissions do not count toward it. Last evaluated 2026-09-01.

Conditions:
Sitosterolemia 1. Identifiers: MedGen C2749759, MONDO:0020747, OMIM 210250.
Cardiovascular phenotype. Identifiers: MedGen CN230736.
Sitosterolemia (STSL). Also called: PHYTOSTEROLEMIA. Identifiers: Orphanet 2882, MedGen C0342907, MONDO:0008863.

Allele frequency attached by ClinVar (database versions not stated): gnomAD 0.00160 and 0.00145; TOPMed 0.00165; ExAC 0.00188; gnomAD exomes 0.00199; ESP Exome Variant Server 0.00146; 1000 Genomes Project 0.00160; 1000 Genomes Project 30x 0.00187.
gnomAD v4.1: 3,211 of 1,614,156 alleles (0.2%); highest among the groups gnomAD compares: Middle Eastern, 2.1%; 14 homozygotes.

Submissions (13):

CeGaT Center for Human Genetics Tuebingen
Classification: Likely benign. Last evaluated: 2026-09-01. Review status: criteria provided, single submitter. Criteria: CeGaT Center For Human Genetics Tuebingen Variant Classification Criteria Version 2. Collection method: clinical testing. Allele origin: germline. Affected: yes. Observed: 9 variant alleles.
Comment: ABCG5: BP4, BP7, BS2

Labcorp Genetics (formerly Invitae), Labcorp
Classification: Benign for Sitosterolemia. Last evaluated: 2026-01-18. Review status: criteria provided, single submitter. Criteria: Invitae Variant Classification Sherloc (09022015). Collection method: clinical testing. Allele origin: germline.

Mayo Clinic Laboratories, Mayo Clinic
Classification: Benign. Last evaluated: 2025-05-27. Review status: criteria provided, single submitter. Criteria: ACMG Guidelines, 2015. Collection method: clinical testing. Allele origin: germline. Observed: 15 variant alleles.
Comment: BS1, BS2, BP4, BP7

Blueprint Genetics
Classification: Likely benign. Last evaluated: 2024-11-22. Review status: criteria provided, single submitter. Criteria: ACMG Guidelines, 2015. Collection method: clinical testing. Allele origin: germline.

Women's Health and Genetics/Laboratory Corporation of America, LabCorp
Classification: Likely benign. Last evaluated: 2023-07-29. Review status: criteria provided, single submitter. Criteria: LabCorp Variant Classification Summary - May 2015. Collection method: clinical testing. Allele origin: germline.

GeneDx
Classification: Likely benign. Last evaluated: 2021-04-09. Review status: criteria provided, single submitter. Criteria: GeneDx Variant Classification Process June 2021. Collection method: clinical testing. Allele origin: germline. Affected: yes.

Ambry Genetics
Classification: Likely benign for Cardiovascular phenotype. Last evaluated: 2020-08-31. Review status: criteria provided, single submitter. Criteria: Ambry Variant Classification Scheme 2023. Collection method: clinical testing. Allele origin: germline.

Genetic Services Laboratory, University of Chicago
Classification: Likely benign. Last evaluated: 2018-11-08. Review status: criteria provided, single submitter. Criteria: ACMG Guidelines, 2015. Collection method: clinical testing. Allele origin: germline. Affected: no.

Illumina Laboratory Services, Illumina
Classification: Uncertain significance for Sitosterolemia 1. Last evaluated: 2018-01-13. Review status: criteria provided, single submitter. Criteria: ICSL Variant Classification Criteria 13 December 2019. Collection method: clinical testing. Allele origin: germline.

Eurofins Ntd Llc (ga)
Classification: Likely benign. Last evaluated: 2015-10-20. Review status: criteria provided, single submitter. Criteria: EGL Classification Definitions 2015. Collection method: clinical testing. Allele origin: germline. Observed: 1 variant allele, 1 heterozygote.

Clinical Genetics DNA and cytogenetics Diagnostics Lab, Erasmus MC, Erasmus Medical Center
Classification: Likely benign. Review status: no assertion criteria provided. Collection method: clinical testing. Allele origin: germline. Affected: yes. Study: VKGL Data-share Consensus. Not counted in ClinVar's aggregate classification.

Clinical Genetics, Academic Medical Center
Classification: Benign. Review status: no assertion criteria provided. Collection method: clinical testing. Allele origin: germline. Affected: yes. Study: VKGL Data-share Consensus. Not counted in ClinVar's aggregate classification.

Genome Diagnostics Laboratory, University Medical Center Utrecht
Classification: Likely benign. Review status: no assertion criteria provided. Collection method: clinical testing. Allele origin: germline. Affected: yes. Study: VKGL Data-share Consensus. Not counted in ClinVar's aggregate classification.

Literature cited by the submitters: PubMed 32088153 (cited by Mayo Clinic Laboratories, Mayo Clinic).

NM_022436.3(ABCG5):c.696C>T (p.Val232=)

Genes: ABCG5 (ATP binding cassette subfamily G member 5; minus strand), DYNC2LI1 (dynein cytoplasmic 2 light intermediate chain 1; plus strand). Cytogenetic location: 2p21.
Variant type: single nucleotide variant.
Coding change: c.696C>T on transcript NM_022436.3 (MANE Select); coding-DNA position 696, C replaced by T.
Protein change: p.Val232=; no amino-acid change (valine 232 retained).
Molecular consequence: synonymous variant. On other transcripts: intron variant (2).
Genome position (GRCh38, 1-based): chr2:43,826,460, G>A on the plus strand (C>T on the coding strand, the complement: ABCG5 is on the minus strand). VCF-style: chr2-43826460-G-A. GRCh37 (hg19) VCF-style: chr2-44053599-G-A.
Other names: p.Val232=; c.*16-926G>A (NM_001348913.2, NM_001348912.2).
Identifiers: ClinVar variation 283812 (VCV000283812.54), dbSNP rs72796720, ClinGen allele CA1636557.